The following is an entry in ClinVar:

ClinVar aggregate classification (germline): Uncertain significance (1 of 4 stars; one submission).

Conditions:
CHARGE syndrome (CHARGE). Also called: Hittner Hirsch Kreh syndrome; CHARGE ASSOCIATION--COLOBOMA, HEART ANOMALY, CHOANAL ATRESIA, RETARDATION, GENITAL AND EAR ANOMALIES; Coloboma, heart anomaly, choanal atresia, retardation, genital and ear anomalies; CHARGE association; Hall-Hittner syndrome. Identifiers: Orphanet 138, MedGen C0265354, MONDO:0008965.

Submission:

Labcorp Genetics (formerly Invitae), Labcorp
Classification: Uncertain significance for CHARGE syndrome. Last evaluated: 2025-08-17. Review status: criteria provided, single submitter. Criteria: Invitae Variant Classification Sherloc (09022015). Collection method: clinical testing. Allele origin: germline.
Comment: This sequence change replaces aspartic acid, which is acidic and polar, with glutamic acid, which is acidic and polar, at codon 1755 of the CHD7 protein (p.Asp1755Glu). This variant is not present in population databases (gnomAD no frequency). This variant has not been reported in the literature in individuals affected with CHD7-related conditions. ClinVar contains an entry for this variant (Variation ID: 1348624). Invitae Evidence Modeling of protein sequence and biophysical properties (such as structural, functional, and spatial information, amino acid conservation, physicochemical variation, residue mobility, and thermodynamic stability) indicates that this missense variant is not expected to disrupt CHD7 protein function with a negative predictive value of 95%. In summary, the available evidence is currently insufficient to determine the role of this variant in disease. Therefore, it has been classified as a Variant of Uncertain Significance.

NM_017780.4(CHD7):c.5265C>A (p.Asp1755Glu)

Gene: CHD7 (chromodomain helicase DNA binding protein 7; plus strand). Cytogenetic location: 8q12.2.
Variant type: single nucleotide variant.
Coding change: c.5265C>A on transcript NM_017780.4 (MANE Select); coding-DNA position 5265, C replaced by A.
Protein change: p.Asp1755Glu; replaces aspartic acid 1755 with glutamic acid.
Molecular consequence: missense variant. On other transcripts: intron variant (1).
Genome position (GRCh38, 1-based): chr8:60,848,569, C>A. VCF-style: chr8-60848569-C-A. GRCh37 (hg19) VCF-style: chr8-61761128-C-A.
Other names: c.1717-13660C>A (NM_001316690.1); short protein forms D1755E.
Identifiers: ClinVar variation 1348624 (VCV001348624.8), dbSNP rs2150800547, ClinGen allele CA371320875.
Genomic context (GRCh38, chr8:60,848,569, plus strand): 5'-CTCCAGGGTCCTGCTGCGTGTCCGCATGCTGTACTACCTAAGACAAGAAGTGATAGGAGA[C>A]CAGGCGGATAAGATCTTAGAGGGTGCTGACTCAAGGTTAGTGCGAGCTCACATTTGTTCT-3'
Protein context (NP_060250.2, residues 1745-1765): LYYLRQEVIG[Asp1755Glu]QADKILEGAD